The following is an entry in ClinVar:

ClinVar aggregate classification (germline): Uncertain significance (1 of 4 stars; one submission).

Allele frequency attached by ClinVar (database versions not stated): gnomAD exomes below 0.00001; gnomAD 0.00001; TOPMed 0.00002.
gnomAD v4.1: 6 of 1,613,698 alleles (0.00037%); highest among the groups gnomAD compares: Non-Finnish European, 0.00051%; no homozygotes.

Submission:

GeneDx
Classification: Uncertain significance. Last evaluated: 2022-08-15. Review status: criteria provided, single submitter. Criteria: GeneDx Variant Classification Process June 2021. Collection method: clinical testing. Allele origin: germline. Affected: yes.
Comment: Not observed at significant frequency in large population cohorts (gnomAD); Missense variant in a gene in which most reported pathogenic variants are truncating/loss of function; Has not been previously published as pathogenic or benign to our knowledge

NM_001267550.2(TTN):c.15389T>G (p.Val5130Gly)

Gene: TTN (titin; minus strand). Cytogenetic location: 2q31.2.
Variant type: single nucleotide variant.
Coding change: c.15389T>G on transcript NM_001267550.2 (MANE Select); coding-DNA position 15389, T replaced by G.
Protein change: p.Val5130Gly; replaces valine 5130 with glycine.
Molecular consequence: missense variant. On other transcripts: intron variant (3).
Genome position (GRCh38, 1-based): chr2:178,734,435, A>C on the plus strand (T>G on the coding strand, the complement: TTN is on the minus strand). VCF-style: chr2-178734435-A-C. GRCh37 (hg19) VCF-style: chr2-179599162-A-C.
Other names: c.14438T>G, p.Val4813Gly (NM_001256850.1); c.11657T>G, p.Val3886Gly (NM_133378.4); c.13282+3647T>G (NM_003319.4); c.13858+3647T>G (NM_133437.4); c.13657+3647T>G (NM_133432.3); short protein forms V3886G, V4813G, V5130G.
Identifiers: ClinVar variation 2430686 (VCV002430686.1), dbSNP rs1348139013, ClinGen allele CA349594323.
Genomic context (GRCh38, chr2:178,734,435, plus strand): 5'-GCAACAACACATTCATATTCACCAACATCTGCACTATTAAACGAAAAGATCTCCAGACAC[A>C]CAAGAGACTTCTGAGAAAACAATCTGTATTTTTTACTACTTCGAATTTGTTTCTTGTCTT-3'
Protein context (NP_001254479.2, residues 5120-5140): KYRLFSQKSL[Val5130Gly]CLEIFSFNSA